The following is an entry in ClinVar:

ClinVar aggregate classification (germline): Benign/Likely benign. Review status: criteria provided, multiple submitters, no conflicts (2 of 4 stars). 3 submissions from 3 submitters: Benign (1); Likely benign (1). 1 of the submissions does not count toward it. Last evaluated 2023-05-01.

Conditions:
TLR2-related disorder. Also called: TLR2-related condition.

Allele frequency attached by ClinVar (database versions not stated): 1000 Genomes Project 30x 0.00125; 1000 Genomes Project 0.00140; TOPMed 0.00199; ESP Exome Variant Server 0.00254; gnomAD 0.00308 and 0.00332; gnomAD exomes 0.00350 and 0.00406; ExAC 0.00464.
gnomAD v4.1: 5,575 of 1,614,148 alleles (0.35%); highest among the groups gnomAD compares: Non-Finnish European, 0.35%; 27 homozygotes.

Submissions (3):

CeGaT Center for Human Genetics Tuebingen
Classification: Likely benign. Last evaluated: 2023-05-01. Review status: criteria provided, single submitter. Criteria: CeGaT Center For Human Genetics Tuebingen Variant Classification Criteria Version 2. Collection method: clinical testing. Allele origin: germline. Affected: yes. Observed: 1 variant allele.
Comment: TLR2: BP4, BS2

Labcorp Genetics (formerly Invitae), Labcorp
Classification: Benign. Last evaluated: 2018-07-17. Review status: criteria provided, single submitter. Criteria: Invitae Variant Classification Sherloc (09022015). Collection method: clinical testing. Allele origin: germline.

PreventionGenetics, part of Exact Sciences
Classification: Benign for TLR2-related condition. Last evaluated: 2019-06-17. Review status: no assertion criteria provided. Collection method: clinical testing. Allele origin: germline. Not counted in ClinVar's aggregate classification.
Comment: This variant is classified as benign based on ACMG/AMP sequence variant interpretation guidelines (Richards et al. 2015 PMID: 25741868, with internal and published modifications).

NM_001318789.2(TLR2):c.650T>C (p.Phe217Ser)

Gene: TLR2 (toll like receptor 2; plus strand). Cytogenetic location: 4q31.3.
Variant type: single nucleotide variant.
Coding change: c.650T>C on transcript NM_001318789.2 (MANE Select); coding-DNA position 650, T replaced by C.
Protein change: p.Phe217Ser; replaces phenylalanine 217 with serine.
Molecular consequence: missense variant.
Genome position (GRCh38, 1-based): chr4:153,703,557, T>C. VCF-style: chr4-153703557-T-C. GRCh37 (hg19) VCF-style: chr4-154624709-T-C.
Other names: c.650T>C, p.Phe217Ser (NM_001318787.2, NM_001318790.2, NM_001318791.2 and 4 more transcripts); short protein forms F217S.
Identifiers: ClinVar variation 710730 (VCV000710730.28), dbSNP rs139227237, ClinGen allele CA3110758.